The following is an entry in ClinVar:

ClinVar aggregate classification (germline): Likely benign (0 of 4 stars; one submission).

Conditions:
CHD7-related disorder. Also called: CHD7-related condition.

Allele frequency attached by ClinVar (database versions not stated): gnomAD 0.00001; gnomAD exomes 0.00002; ExAC 0.00011; 1000 Genomes Project 0.00020; 1000 Genomes Project 30x 0.00047.
gnomAD v4.1: 35 of 1,612,232 alleles (0.0022%); highest among the groups gnomAD compares: South Asian, 0.033%; no homozygotes.

Submission:

PreventionGenetics, part of Exact Sciences
Classification: Likely benign for CHD7-related condition. Last evaluated: 2023-04-06. Review status: no assertion criteria provided. Collection method: clinical testing. Allele origin: germline.
Comment: This variant is classified as likely benign based on ACMG/AMP sequence variant interpretation guidelines (Richards et al. 2015 PMID: 25741868, with internal and published modifications).

NM_017780.4(CHD7):c.8428T>A (p.Phe2810Ile)

Gene: CHD7 (chromodomain helicase DNA binding protein 7; plus strand). Cytogenetic location: 8q12.2.
Variant type: single nucleotide variant.
Coding change: c.8428T>A on transcript NM_017780.4 (MANE Select); coding-DNA position 8428, T replaced by A.
Protein change: p.Phe2810Ile; replaces phenylalanine 2810 with isoleucine.
Molecular consequence: missense variant.
Genome position (GRCh38, 1-based): chr8:60,865,367, T>A. VCF-style: chr8-60865367-T-A. GRCh37 (hg19) VCF-style: chr8-61777926-T-A.
Other names: c.2281T>A, p.Phe761Ile (NM_001316690.1); short protein forms F2810I, F761I.
Identifiers: ClinVar variation 3029201 (VCV003029201.2), dbSNP rs566554048, ClinGen allele CA4761014.